The following is an entry in ClinVar:

ClinVar aggregate classification (germline): Uncertain significance (1 of 4 stars; one submission).

Conditions:
Asphyxiating thoracic dystrophy 5 (SRTD5). Also called: SHORT-RIB THORACIC DYSPLASIA 5 WITHOUT POLYDACTYLY; SHORT-RIB THORACIC DYSPLASIA 5 WITH OR WITHOUT POLYDACTYLY. Identifiers: Orphanet 474, MedGen C3280598, MONDO:0013717, OMIM 614376.
Senior-Loken syndrome 8 (SLSN8). Identifiers: Orphanet 3156, MedGen C4225376, MONDO:0014579, OMIM 616307.

Allele frequency attached by ClinVar (database versions not stated): ExAC 0.00001; gnomAD exomes 0.00001.
gnomAD v4.1: 3 of 1,613,944 alleles (0.00019%); highest among the groups gnomAD compares: South Asian, 0.0022%; no homozygotes.

Submission:

Labcorp Genetics (formerly Invitae), Labcorp
Classification: Uncertain significance for Senior-Loken syndrome 8; Asphyxiating thoracic dystrophy 5. Last evaluated: 2022-05-28. Review status: criteria provided, single submitter. Criteria: Invitae Variant Classification Sherloc (09022015). Collection method: clinical testing. Allele origin: germline.
Comment: In summary, the available evidence is currently insufficient to determine the role of this variant in disease. Therefore, it has been classified as a Variant of Uncertain Significance. Algorithms developed to predict the effect of missense changes on protein structure and function (SIFT, PolyPhen-2, Align-GVGD) all suggest that this variant is likely to be disruptive. This variant has not been reported in the literature in individuals affected with WDR19-related conditions. This variant is not present in population databases (gnomAD no frequency). This sequence change replaces isoleucine, which is neutral and non-polar, with arginine, which is basic and polar, at codon 827 of the WDR19 protein (p.Ile827Arg).

NM_025132.4(WDR19):c.2480T>G (p.Ile827Arg)

Gene: WDR19 (WD repeat domain 19; plus strand). Cytogenetic location: 4p14.
Variant type: single nucleotide variant.
Coding change: c.2480T>G on transcript NM_025132.4 (MANE Select); coding-DNA position 2480, T replaced by G.
Protein change: p.Ile827Arg; replaces isoleucine 827 with arginine.
Molecular consequence: missense variant.
Genome position (GRCh38, 1-based): chr4:39,244,306, T>G. VCF-style: chr4-39244306-T-G. GRCh37 (hg19) VCF-style: chr4-39245926-T-G.
Other names: c.2000T>G, p.Ile667Arg (NM_001317924.2); short protein forms I827R, I667R.
Identifiers: ClinVar variation 1999975 (VCV001999975.4), dbSNP rs747244934, ClinGen allele CA2892091.